The following is an entry in ClinVar:

NM_001042492.3(NF1):c.7346T>C (p.Val2449Ala)

Gene: NF1 (neurofibromin 1; plus strand). Cytogenetic location: 17q11.2.
Variant type: single nucleotide variant.
Coding change: c.7346T>C on transcript NM_001042492.3 (MANE Select); coding-DNA position 7346, T replaced by C.
Protein change: p.Val2449Ala; replaces valine 2449 with alanine.
Molecular consequence: missense variant.
Genome position (GRCh38, 1-based): chr17:31,350,207, T>C. VCF-style: chr17-31350207-T-C. GRCh37 (hg19) VCF-style: chr17-29677225-T-C.
Other names: c.7283T>C, p.Val2428Ala (NM_000267.4); short protein forms V2428A, V2449A.
Identifiers: ClinVar variation 1758076 (VCV001758076.8), dbSNP rs751593609, ClinGen allele CA399016995.

ClinVar aggregate classification (germline): Uncertain significance. Review status: criteria provided, multiple submitters, no conflicts (2 of 4 stars). 2 submissions from 2 submitters: Uncertain significance (2). Last evaluated 2025-06-06.

Conditions:
Neurofibromatosis, type 1 (NF1). Also called: Peripheral type neurofibromatosis; VON RECKLINGHAUSEN DISEASE; NEUROFIBROMATOSIS, TYPE I, SOMATIC; Neurofibromatosis, type I. Identifiers: Orphanet 636, MedGen C0027831, MONDO:0018975, OMIM 162200. Disease mechanism: loss of function.
Cardiovascular phenotype. Identifiers: MedGen CN230736.
Hereditary cancer-predisposing syndrome. Also called: Neoplastic Syndromes, Hereditary; Tumor predisposition; Hereditary neoplastic syndrome; Hereditary Cancer Syndrome. Identifiers: Orphanet 140162, MedGen C0027672, MeSH D009386, MONDO:0015356.

Submissions (2):

Ambry Genetics
Classification: Uncertain significance for Cardiovascular phenotype; Hereditary cancer-predisposing syndrome. Last evaluated: 2025-06-06. Review status: criteria provided, single submitter. Criteria: Ambry Variant Classification Scheme 2023. Collection method: clinical testing. Allele origin: germline.
Comment: The p.V2428A variant (also known as c.7283T>C), located in coding exon 49 of the NF1 gene, results from a T to C substitution at nucleotide position 7283. The valine at codon 2428 is replaced by alanine, an amino acid with similar properties. This amino acid position is conserved. In addition, the in silico prediction for this alteration is inconclusive. Based on the available evidence, the clinical significance of this variant remains unclear.

Labcorp Genetics (formerly Invitae), Labcorp
Classification: Uncertain significance for Neurofibromatosis, type 1. Last evaluated: 2022-03-27. Review status: criteria provided, single submitter. Criteria: Invitae Variant Classification Sherloc (09022015). Collection method: clinical testing. Allele origin: germline.
Comment: In summary, the available evidence is currently insufficient to determine the role of this variant in disease. Therefore, it has been classified as a Variant of Uncertain Significance. Algorithms developed to predict the effect of missense changes on protein structure and function are either unavailable or do not agree on the potential impact of this missense change (SIFT: "Deleterious"; PolyPhen-2: "Probably Damaging"; Align-GVGD: "Class C0"). This variant has not been reported in the literature in individuals affected with NF1-related conditions. This variant is not present in population databases (gnomAD no frequency). This sequence change replaces valine, which is neutral and non-polar, with alanine, which is neutral and non-polar, at codon 2428 of the NF1 protein (p.Val2428Ala).